The following is an entry in ClinVar:

ClinVar aggregate classification (germline): Likely benign (1 of 4 stars; one submission).

Allele frequency attached by ClinVar (database versions not stated): TOPMed below 0.00001; gnomAD 0.00001.

Submission:

CeGaT Center for Human Genetics Tuebingen
Classification: Likely benign. Last evaluated: 2022-03-01. Review status: criteria provided, single submitter. Criteria: CeGaT Center For Human Genetics Tuebingen Variant Classification Criteria Version 2. Collection method: clinical testing. Allele origin: germline. Affected: yes. Observed: 1 variant allele.
Comment: CHPF2: BP4, BP7

NM_019015.3(CHPF2):c.246C>T (p.Pro82=)

Gene: CHPF2 (chondroitin polymerizing factor 2; plus strand). Cytogenetic location: 7q36.1.
Variant type: single nucleotide variant.
Coding change: c.246C>T on transcript NM_019015.3 (MANE Select); coding-DNA position 246, C replaced by T.
Protein change: p.Pro82=; no amino-acid change (proline 82 retained).
Molecular consequence: synonymous variant. On other transcripts: non-coding transcript variant (2), intron variant (2).
Genome position (GRCh38, 1-based): chr7:151,234,257, C>T. VCF-style: chr7-151234257-C-T. GRCh37 (hg19) VCF-style: chr7-150931343-C-T.
Other names: c.222C>T, p.Pro74= (NM_001284295.2); c.246C>T, p.Pro82= (NM_001389651.1); c.51-791C>T (NM_001389652.1, NM_001389653.1).
Identifiers: ClinVar variation 2658185 (VCV002658185.24), dbSNP rs1374373933, ClinGen allele CA458882139.
Genomic context (GRCh38, chr7:151,234,257, plus strand): 5'-CCAAAGTGATGAAGACTTCAAACCCCGGATTGTCCCCTACTACAGGGACCCCAACAAGCC[C>T]TACAAGAAGGTGCTCAGGTGAGAGCAACATGTGTGCATAGTCCCCAGACACTGGCCCTGT-3'
Protein context (NP_061888.1, residues 72-92): IVPYYRDPNK[Pro82=]YKKVLRTRYI